The following is an entry in ClinVar:

ClinVar aggregate classification (germline): Benign/Likely benign. Review status: criteria provided, multiple submitters, no conflicts (2 of 4 stars). 3 submissions from 3 submitters: Benign (1); Likely benign (2). Last evaluated 2025-02-04.

Conditions:
Lynch syndrome 4 (LYNCH4). Also called: Colorectal cancer, hereditary nonpolyposis, type 4; Hereditary non-polyposis colorectal cancer, type 4. Identifiers: Orphanet 144, MedGen C1838333, MONDO:0013699, OMIM 614337. Disease mechanism: loss of function.
Hereditary nonpolyposis colorectal neoplasms. Identifiers: MedGen C0009405, MeSH D003123.
Hereditary cancer-predisposing syndrome. Also called: Hereditary Cancer Syndrome; Neoplastic Syndromes, Hereditary; Tumor predisposition; Hereditary neoplastic syndrome. Identifiers: Orphanet 140162, MedGen C0027672, MeSH D009386, MONDO:0015356.

Submissions (3):

Myriad Genetics, Inc.
Classification: Benign for Lynch syndrome 4. Last evaluated: 2025-02-04. Review status: criteria provided, single submitter. Criteria: Myriad Autosomal Dominant, Autosomal Recessive and X-Linked Classification Criteria (2023). Collection method: clinical testing. Allele origin: unknown.
Comment: This variant is considered benign. This variant is a silent/synonymous amino acid change and it is not expected to impact splicing.

Labcorp Genetics (formerly Invitae), Labcorp
Classification: Likely benign for Hereditary nonpolyposis colorectal neoplasms. Last evaluated: 2023-04-23. Review status: criteria provided, single submitter. Criteria: Invitae Variant Classification Sherloc (09022015). Collection method: clinical testing. Allele origin: germline.

Ambry Genetics
Classification: Likely benign for Hereditary cancer-predisposing syndrome. Last evaluated: 2020-10-31. Review status: criteria provided, single submitter. Criteria: Ambry Variant Classification Scheme 2023. Collection method: clinical testing. Allele origin: germline.

NM_000535.7(PMS2):c.2370G>A (p.Leu790=)

Gene: PMS2 (PMS1 homolog 2, mismatch repair system component; minus strand). Cytogenetic location: 7p22.1.
Variant type: single nucleotide variant.
Coding change: c.2370G>A on transcript NM_000535.7 (MANE Select); coding-DNA position 2370, G replaced by A.
Protein change: p.Leu790=; no amino-acid change (leucine 790 retained).
Molecular consequence: synonymous variant. On other transcripts: non-coding transcript variant (1).
Genome position (GRCh38, 1-based): chr7:5,977,663, C>T on the plus strand (G>A on the coding strand, the complement: PMS2 is on the minus strand). VCF-style: chr7-5977663-C-T. GRCh37 (hg19) VCF-style: chr7-6017294-C-T.
Other names: c.1965G>A, p.Leu655= (NM_001322003.2, NM_001322004.2, NM_001322005.2); c.2214G>A, p.Leu738= (NM_001322006.2); c.2052G>A, p.Leu684= (NM_001322007.2, NM_001322008.2); c.1998G>A, p.Leu666= (NM_001322009.2); c.1809G>A, p.Leu603= (NM_001322010.2); c.1437G>A, p.Leu479= (NM_001322011.2, NM_001322012.2); c.1797G>A, p.Leu599= (NM_001322013.2); c.2403G>A, p.Leu801= (NM_001322014.2); and 1 more.
Identifiers: ClinVar variation 1535604 (VCV001535604.11), dbSNP rs2128673512, ClinGen allele CA453642389.
Genomic context (GRCh38, chr7:5,977,663, plus strand): 5'-TCTGGAGGCAAACATCTGCTTGACTCGGGAAGGCCGGCACATGACCCCAGGGCTGTCGCT[C>T]AGCATGAAGATCAGTTCATCGACGTCCTGGGGTCCGAAGGTCCAGTTTTTACTAGTTGGC-3'
Protein context (NP_000526.2, residues 780-800): PQDVDELIFM[Leu790=]SDSPGVMCRP